The following is an entry in ClinVar:

ClinVar aggregate classification (germline): Uncertain significance. Review status: criteria provided, multiple submitters, no conflicts (2 of 4 stars). 2 submissions from 2 submitters: Uncertain significance (2). Last evaluated 2026-08-29.

Conditions:
Long QT syndrome (LQTS). Identifiers: MedGen C0023976, MeSH D008133, MONDO:0002442. Disease mechanism: loss of function. Inheritance: Various modes of inheritance.
Cardiovascular phenotype. Identifiers: MedGen CN230736.

Submissions (2):

Ambry Genetics
Classification: Uncertain significance for Cardiovascular phenotype. Last evaluated: 2026-08-29. Review status: criteria provided, single submitter. Criteria: Ambry Variant Classification Scheme 2023. Collection method: clinical testing. Allele origin: germline.
Comment: The p.R2898T variant (also known as c.8693G>C), located in coding exon 34 of the AKAP9 gene, results from a G to C substitution at nucleotide position 8693. The arginine at codon 2898 is replaced by threonine, an amino acid with similar properties. This amino acid position is conserved. In addition, this alteration is predicted to be tolerated by in silico analysis. Based on the available evidence, the clinical significance of this variant remains unclear.

Labcorp Genetics (formerly Invitae), Labcorp
Classification: Uncertain significance for Long QT syndrome. Last evaluated: 2025-10-23. Review status: criteria provided, single submitter. Criteria: Invitae Variant Classification Sherloc (09022015). Collection method: clinical testing. Allele origin: germline.
Comment: This sequence change replaces arginine, which is basic and polar, with threonine, which is neutral and polar, at codon 2898 of the AKAP9 protein (p.Arg2898Thr). This variant is not present in population databases (gnomAD no frequency). This variant has not been reported in the literature in individuals affected with AKAP9-related conditions. An algorithm developed to predict the effect of missense changes on protein structure and function (PolyPhen-2) suggests that this variant is likely to be tolerated. In summary, the available evidence is currently insufficient to determine the role of this variant in disease. Therefore, it has been classified as a Variant of Uncertain Significance.

NM_005751.5(AKAP9):c.8693G>C (p.Arg2898Thr)

Gene: AKAP9 (A-kinase anchoring protein 9; plus strand). Cytogenetic location: 7q21.2.
Variant type: single nucleotide variant.
Coding change: c.8693G>C on transcript NM_005751.5 (MANE Select); coding-DNA position 8693, G replaced by C.
Protein change: p.Arg2898Thr; replaces arginine 2898 with threonine.
Molecular consequence: missense variant.
Genome position (GRCh38, 1-based): chr7:92,084,686, G>C. VCF-style: chr7-92084686-G-C. GRCh37 (hg19) VCF-style: chr7-91714000-G-C.
Other names: c.3338G>C, p.Arg1113Thr (NM_001379277.1); c.8669G>C, p.Arg2890Thr (NM_147185.3); short protein forms R2898T, R1113T, R2890T.
Identifiers: ClinVar variation 4729731 (VCV004729731.2).